The following is an entry in ClinVar:

ClinVar aggregate classification (germline): Pathogenic (1 of 4 stars; one submission).

Submission:

Labcorp Genetics (formerly Invitae), Labcorp
Classification: Pathogenic. Last evaluated: 2024-11-18. Review status: criteria provided, single submitter. Criteria: Invitae Variant Classification Sherloc (09022015). Collection method: clinical testing. Allele origin: germline.
Comment: This sequence change creates a premature translational stop signal (p.Leu179Cysfs*66) in the VAC14 gene. It is expected to result in an absent or disrupted protein product. Loss-of-function variants in VAC14 are known to be pathogenic (PMID: 17956977, 28635952). This variant is not present in population databases (gnomAD no frequency). This variant has not been reported in the literature in individuals affected with VAC14-related conditions. For these reasons, this variant has been classified as Pathogenic.

Literature cited by the submitters: PubMed 17956977; PubMed 28635952.

NM_018052.5(VAC14):c.536del (p.Leu179fs)

Gene: VAC14 (VAC14 component of PIKFYVE complex; minus strand). Cytogenetic location: 16q22.1.
Variant type: Deletion.
Coding change: c.536del on transcript NM_018052.5 (MANE Select); coding-DNA position 536, one base deleted (T; older notation c.536delT).
Protein change: p.Leu179fs; shifts the reading frame from leucine 179.
Molecular consequence: frameshift variant. On other transcripts: 5 prime UTR variant (1).
Genome position (GRCh38, 1-based): chr16:70,784,171, A deleted on the plus strand (T on the coding strand, the reverse complement: VAC14 is on the minus strand); the first of 2 consecutive A bases (chr16:70,784,171-70,784,172); deleting either gives the same sequence. VCF-style (leftmost placement, unchanged base first): chr16-70784170-CA-C. GRCh37 (hg19) VCF-style: chr16-70818073-CA-C.
Other names: c.-167del (NM_001351157.2); short protein forms L179fs.
Identifiers: ClinVar variation 3725579 (VCV003725579.2).